The following is an entry in ClinVar:

ClinVar aggregate classification (germline): Benign/Likely benign. Review status: criteria provided, multiple submitters, no conflicts (2 of 4 stars). 9 submissions from 8 submitters: Benign (5); Likely benign (3). 1 of the submissions does not count toward it. Last evaluated 2026-09-01.

Conditions:
FBLN5-related disorder. Also called: FBLN5-related condition.
Macular degeneration, age-related, 3 (ARMD3). Identifiers: Orphanet 280598, MedGen C1837187, MONDO:0012145, OMIM 608895.
Cutis laxa. Identifiers: Orphanet 209, MedGen C0010495, MONDO:0016175, HP:0000973.

Allele frequency attached by ClinVar (database versions not stated): gnomAD exomes 0.00048 and 0.00121; ExAC 0.00135; gnomAD 0.00315 and 0.00324; TOPMed 0.00346; ESP Exome Variant Server 0.00361; 1000 Genomes Project 0.00439; 1000 Genomes Project 30x 0.00500.
gnomAD v4.1: 1,233 of 1,612,438 alleles (0.076%); highest among the groups gnomAD compares: African/African-American, 0.92%; 6 homozygotes.

Submissions (9):

CeGaT Center for Human Genetics Tuebingen
Classification: Benign. Last evaluated: 2026-09-01. Review status: criteria provided, single submitter. Criteria: CeGaT Center For Human Genetics Tuebingen Variant Classification Criteria Version 2. Collection method: clinical testing. Allele origin: germline. Affected: yes. Observed: 3 variant alleles.
Comment: FBLN5: BP4, BS1, BS2

Labcorp Genetics (formerly Invitae), Labcorp
Classification: Benign. Last evaluated: 2026-02-02. Review status: criteria provided, single submitter. Criteria: Invitae Variant Classification Sherloc (09022015). Collection method: clinical testing. Allele origin: germline.

Blueprint Genetics
Classification: Likely benign. Last evaluated: 2024-11-27. Review status: criteria provided, single submitter. Criteria: ACMG Guidelines, 2015. Collection method: clinical testing. Allele origin: germline.

ARUP Laboratories, Molecular Genetics and Genomics, ARUP Laboratories
Classification: Benign. Last evaluated: 2021-09-27. Review status: criteria provided, single submitter. Criteria: ARUP Molecular Germline Variant Investigation Process 2021. Collection method: clinical testing. Allele origin: germline.

GeneDx
Classification: Likely benign. Last evaluated: 2021-01-07. Review status: criteria provided, single submitter. Criteria: GeneDx Variant Classification Process June 2021. Collection method: clinical testing. Allele origin: germline. Affected: yes.

Illumina Laboratory Services, Illumina
Classification: Likely benign for Macular degeneration, age-related, 3. Last evaluated: 2018-01-12. Review status: criteria provided, single submitter. Criteria: ICSL Variant Classification Criteria 13 December 2019. Collection method: clinical testing. Allele origin: germline.
Comment: This variant was observed in the ICSL laboratory as part of a predisposition screen in an ostensibly healthy population. It had not been previously curated by ICSL or reported in the Human Gene Mutation Database (HGMD: prior to June 1st, 2018), and was therefore a candidate for classification through an automated scoring system. Utilizing variant allele frequency, disease prevalence and penetrance estimates, and inheritance mode, an automated score was calculated to assess if this variant is too frequent to cause the disease. Based on the score and internal cut-off values, a variant classified as likely benign is not then subjected to further curation. The score for this variant resulted in a classification of likely benign for this disease.

Illumina Laboratory Services, Illumina
Classification: Benign for Cutis laxa. Last evaluated: 2018-01-12. Review status: criteria provided, single submitter. Criteria: ICSL Variant Classification Criteria 13 December 2019. Collection method: clinical testing. Allele origin: germline.
Comment: This variant was observed in the ICSL laboratory as part of a predisposition screen in an ostensibly healthy population. It had not been previously curated by ICSL or reported in the Human Gene Mutation Database (HGMD: prior to June 1st, 2018), and was therefore a candidate for classification through an automated scoring system. Utilizing variant allele frequency, disease prevalence and penetrance estimates, and inheritance mode, an automated score was calculated to assess if this variant is too frequent to cause the disease. Based on the score and internal cut-off values, a variant classified as benign is not then subjected to further curation. The score for this variant resulted in a classification of benign for this disease.

Laboratory for Molecular Medicine, Mass General Brigham Personalized Medicine
Classification: Benign. Last evaluated: 2013-02-21. Review status: criteria provided, single submitter. Criteria: LMM Criteria. Collection method: clinical testing. Allele origin: germline. Observed: 1 variant allele.
Comment: 620-8T>C in intron 6 of FBLN5: This variant is not expected to have clinical sig nificance because it has been identified in 3.6% (7/194) of Luhya (Kenyan) chrom osomes from a broad population by the 1000 Genomes Project (.; dbSNP rs147699855).

PreventionGenetics, part of Exact Sciences
Classification: Benign for FBLN5-related condition. Last evaluated: 2019-11-06. Review status: no assertion criteria provided. Collection method: clinical testing. Allele origin: germline. Not counted in ClinVar's aggregate classification.
Comment: This variant is classified as benign based on ACMG/AMP sequence variant interpretation guidelines (Richards et al. 2015 PMID: 25741868, with internal and published modifications).

NM_006329.4(FBLN5):c.620-8T>C

Gene: FBLN5 (fibulin 5; minus strand). Cytogenetic location: 14q32.12.
Variant type: single nucleotide variant.
Coding change: c.620-8T>C on transcript NM_006329.4 (MANE Select); 8 bases into the intron before coding-DNA position 620, T replaced by C.
Molecular consequence: intron variant.
Genome position (GRCh38, 1-based): chr14:91,887,320, A>G on the plus strand (T>C on the coding strand, the complement: FBLN5 is on the minus strand). VCF-style: chr14-91887320-A-G. GRCh37 (hg19) VCF-style: chr14-92353664-A-G.
Other names: c.620-8T>C (NM_001384160.1); c.743-8T>C (NM_001384158.1); c.452-8T>C (NM_001384162.1, NM_001384161.1); c.671-8T>C (NM_001384159.1).
Identifiers: ClinVar variation 226639 (VCV000226639.49), dbSNP rs147699855, ClinGen allele CA7312779.